The following is an entry in ClinVar:

ClinVar aggregate classification (germline): Uncertain significance (1 of 4 stars; one submission).

Submission:

Labcorp Genetics (formerly Invitae), Labcorp
Classification: Uncertain significance. Last evaluated: 2021-11-10. Review status: criteria provided, single submitter. Criteria: Invitae Variant Classification Sherloc (09022015). Collection method: clinical testing. Allele origin: germline.
Comment: This sequence change falls in intron 6 of the RNF43 gene. It does not directly change the encoded amino acid sequence of the RNF43 protein. It affects a nucleotide within the consensus splice site. This variant is not present in population databases (gnomAD no frequency). This variant has not been reported in the literature in individuals affected with RNF43-related conditions. Variants that disrupt the consensus splice site are a relatively common cause of aberrant splicing (PMID: 17576681, 9536098). Algorithms developed to predict the effect of sequence changes on RNA splicing suggest that this variant is not likely to affect RNA splicing. In summary, the available evidence is currently insufficient to determine the role of this variant in disease. Therefore, it has been classified as a Variant of Uncertain Significance.

Literature cited by the submitters: PubMed 17576681; PubMed 9536098.

NM_017763.6(RNF43):c.687+6C>A

Gene: RNF43 (ring finger protein 43; minus strand). Cytogenetic location: 17q22.
Variant type: single nucleotide variant.
Coding change: c.687+6C>A on transcript NM_017763.6 (MANE Select); 6 bases into the intron after coding-DNA position 687, C replaced by A.
Molecular consequence: intron variant.
Genome position (GRCh38, 1-based): chr17:58,362,538, G>T on the plus strand (C>A on the coding strand, the complement: RNF43 is on the minus strand). VCF-style: chr17-58362538-G-T. GRCh37 (hg19) VCF-style: chr17-56439899-G-T.
Other names: c.687+6C>A (NM_001438822.1, NM_001305544.3, NM_001438820.1 and 1 more transcripts); c.306+6C>A (NM_001305545.2, NM_001437987.1).
Identifiers: ClinVar variation 1362016 (VCV001362016.6), dbSNP rs2143458182, ClinGen allele CA2573154141.
Genomic context (GRCh38, chr17:58,362,538, plus strand): 5'-TCTCCCTAACCACCCACCCACACACACGCACACGTTCACCGCCGCCAAAGACCCCACACT[G>T]CTCACCGGCCTGCTGTGGCGGGGGCGGCACCGGATGCGCAGCACCGAAGCCAGGATGATC-3'